The following is an entry in ClinVar:

ClinVar aggregate classification (germline): Uncertain significance (1 of 4 stars; one submission).

Conditions:
MHC class II deficiency. Also called: Bare lymphocyte syndrome 2; BLS, TYPE II. Identifiers: Orphanet 572, MedGen C5447452, MONDO:0008855.

Allele frequency attached by ClinVar (database versions not stated): gnomAD exomes below 0.00001.
gnomAD v4.1: 1 of 1,613,346 alleles (0.000062%); highest among the groups gnomAD compares: Non-Finnish European, 0.000085%; no homozygotes.

Submission:

Labcorp Genetics (formerly Invitae), Labcorp
Classification: Uncertain significance for MHC class II deficiency. Last evaluated: 2023-10-13. Review status: criteria provided, single submitter. Criteria: Invitae Variant Classification Sherloc (09022015). Collection method: clinical testing. Allele origin: germline.
Comment: This sequence change replaces proline, which is neutral and non-polar, with histidine, which is basic and polar, at codon 654 of the CIITA protein (p.Pro654His). This variant is not present in population databases (gnomAD no frequency). This variant has not been reported in the literature in individuals affected with CIITA-related conditions. ClinVar contains an entry for this variant (Variation ID: 1953614). An algorithm developed to predict the effect of missense changes on protein structure and function (PolyPhen-2) suggests that this variant is likely to be tolerated. In summary, the available evidence is currently insufficient to determine the role of this variant in disease. Therefore, it has been classified as a Variant of Uncertain Significance.

NM_000246.4(CIITA):c.1961C>A (p.Pro654His)

Gene: CIITA (class II major histocompatibility complex transactivator; plus strand). Cytogenetic location: 16p13.13.
Variant type: single nucleotide variant.
Coding change: c.1961C>A on transcript NM_000246.4 (MANE Select); coding-DNA position 1961, C replaced by A.
Protein change: p.Pro654His; replaces proline 654 with histidine.
Molecular consequence: missense variant. On other transcripts: intron variant (1).
Genome position (GRCh38, 1-based): chr16:10,907,453, C>A. VCF-style: chr16-10907453-C-A. GRCh37 (hg19) VCF-style: chr16-11001310-C-A.
Other names: c.1964C>A, p.Pro655His (NM_001286402.1, NM_001379332.1); c.1817C>A, p.Pro606His (NM_001379330.1); c.1814C>A, p.Pro605His (NM_001379331.1); c.1961C>A, p.Pro654His (NM_001379333.1); c.1892C>A, p.Pro631His (NM_001379334.1); c.860-1530C>A (NM_001286403.2); short protein forms P605H, P631H, P655H, P606H, P654H.
Identifiers: ClinVar variation 1953614 (VCV001953614.5), dbSNP rs1481281096, ClinGen allele CA394732112.
Genomic context (GRCh38, chr16:10,907,453, plus strand): 5'-CCTCCACGCTCACGGGACTCTATGTCGGCCTGCTGGGCCGTGCAGCCCTCGACAGCCCCC[C>A]CGGGGCCCTGGCAGAGCTGGCCAAGCTGGCCTGGGAGCTGGGCCGCAGACATCAAAGTAC-3'
Protein context (NP_000237.2, residues 644-664): LLGRAALDSP[Pro654His]GALAELAKLA